The following is an entry in ClinVar:

NM_001572.5(IRF7):c.644A>G (p.Gln215Arg)

Gene: IRF7 (interferon regulatory factor 7; minus strand). Cytogenetic location: 11p15.5.
Variant type: single nucleotide variant.
Coding change: c.644A>G on transcript NM_001572.5 (MANE Select); coding-DNA position 644, A replaced by G.
Protein change: p.Gln215Arg; replaces glutamine 215 with arginine.
Molecular consequence: missense variant.
Genome position (GRCh38, 1-based): chr11:614,209, T>C on the plus strand (A>G on the coding strand, the complement: IRF7 is on the minus strand). VCF-style: chr11-614209-T-C. GRCh37 (hg19) VCF-style: chr11-614209-T-C.
Other names: c.683A>G (NM_004031.2); c.644A>G, p.Gln215Arg (NM_004029.4); c.683A>G, p.Gln228Arg (NM_004031.4); short protein forms Q228R, Q215R.
Identifiers: ClinVar variation 2967084 (VCV002967084.4), dbSNP rs1223044516, ClinGen allele CA378981456.

ClinVar aggregate classification (germline): Uncertain significance. Review status: criteria provided, multiple submitters, no conflicts (2 of 4 stars). 2 submissions from 2 submitters: Uncertain significance (2). Last evaluated 2025-06-25.

Conditions:
Immunodeficiency 39 (IMD39). Identifiers: Orphanet 574918, MedGen C4225358, MONDO:0014597, OMIM 616345.

Allele frequency attached by ClinVar (database versions not stated): TOPMed below 0.00001; gnomAD 0.00001.

Submissions (2):

Labcorp Genetics (formerly Invitae), Labcorp
Classification: Uncertain significance for Immunodeficiency 39. Last evaluated: 2025-06-25. Review status: criteria provided, single submitter. Criteria: Invitae Variant Classification Sherloc (09022015). Collection method: clinical testing. Allele origin: germline.
Comment: This sequence change replaces glutamine, which is neutral and polar, with arginine, which is basic and polar, at codon 228 of the IRF7 protein (p.Gln228Arg). This variant is present in population databases (no rsID available, gnomAD 0.003%). This variant has not been reported in the literature in individuals affected with IRF7-related conditions. ClinVar contains an entry for this variant (Variation ID: 2967084). Invitae Evidence Modeling of protein sequence and biophysical properties (such as structural, functional, and spatial information, amino acid conservation, physicochemical variation, residue mobility, and thermodynamic stability) indicates that this missense variant is not expected to disrupt IRF7 protein function with a negative predictive value of 80%. In summary, the available evidence is currently insufficient to determine the role of this variant in disease. Therefore, it has been classified as a Variant of Uncertain Significance.

Ambry Genetics
Classification: Uncertain significance. Last evaluated: 2023-12-11. Review status: criteria provided, single submitter. Criteria: Ambry Variant Classification Scheme 2023. Collection method: clinical testing. Allele origin: germline.